The following is an entry in ClinVar:

ClinVar aggregate classification (germline): Pathogenic (1 of 4 stars; one submission).

Conditions:
Ataxia-telangiectasia syndrome (AT). Also called: Ataxia-telangiectasia, complementation group D; AT, COMPLEMENTATION GROUP C; ATAXIA-TELANGIECTASIA, COMPLEMENTATION GROUP A; ATAXIA-TELANGIECTASIA, FRESNO VARIANT; Ataxia-telangiectasia; Ataxia-telangiectasia, complementation group E. Identifiers: Orphanet 100, MedGen C0004135, MONDO:0008840, OMIM 208900.

Submission:

Labcorp Genetics (formerly Invitae), Labcorp
Classification: Pathogenic for Ataxia-telangiectasia syndrome. Last evaluated: 2024-10-09. Review status: criteria provided, single submitter. Criteria: Invitae Variant Classification Sherloc (09022015). Collection method: clinical testing. Allele origin: germline.
Comment: This sequence change affects an acceptor splice site in intron 55 of the ATM gene. It is expected to disrupt RNA splicing. Variants that disrupt the donor or acceptor splice site typically lead to a loss of protein function (PMID: 16199547), and loss-of-function variants in ATM are known to be pathogenic (PMID: 23807571, 25614872). This variant is not present in population databases (gnomAD no frequency). This variant has not been reported in the literature in individuals affected with ATM-related conditions. Studies have shown that disruption of this splice site is associated with altered splicing resulting in multiple RNA products (internal data). This variant disrupts a region of the ATM protein in which other variant(s) (p.Gln2730Pro) have been determined to be pathogenic (PMID: 16189143, 19431188, 22869595). This suggests that this is a clinically significant region of the protein, and that variants that disrupt it are likely to be disease-causing. For these reasons, this variant has been classified as Pathogenic.

Literature cited by the submitters: PubMed 16199547; PubMed 23807571; PubMed 25614872; PubMed 16189143; PubMed 19431188; PubMed 22869595.

NM_000051.4(ATM):c.8152-2A>C

Genes: ATM (ATM serine/threonine kinase; plus strand), C11orf65 (chromosome 11 open reading frame 65; minus strand). Cytogenetic location: 11q22.3.
Variant type: single nucleotide variant.
Coding change: c.8152-2A>C on transcript NM_000051.4 (MANE Select); the canonical splice acceptor site of the intron before coding-DNA position 8152, A replaced by C.
Molecular consequence: splice acceptor variant. On other transcripts: intron variant (2).
Genome position (GRCh38, 1-based): chr11:108,335,843, A>C. VCF-style: chr11-108335843-A-C. GRCh37 (hg19) VCF-style: chr11-108206570-A-C.
Other names: c.8152-2A>C (NM_001351834.2); c.641-26772T>G (NM_001330368.2); c.695-551T>G (NM_001351110.2).
Identifiers: ClinVar variation 3722509 (VCV003722509.2).